The following is an entry in ClinVar:

ClinVar aggregate classification (germline): Uncertain significance (1 of 4 stars; one submission).

Conditions:
Joubert syndrome. Also called: JOUBERT-BOLTSHAUSER SYNDROME; Familial aplasia of the vermis. Identifiers: Orphanet 475, MedGen C5979921, MONDO:0018772.
Meckel-Gruber syndrome. Also called: DYSENCEPHALIA SPLANCHNOCYSTICA; GRUBER SYNDROME; Dysencephalia splachnocystica. Identifiers: Orphanet 564, MedGen C0265215, MONDO:0018921.

Submission:

Labcorp Genetics (formerly Invitae), Labcorp
Classification: Uncertain significance for Joubert syndrome; Meckel-Gruber syndrome. Last evaluated: 2025-01-15. Review status: criteria provided, single submitter. Criteria: Invitae Variant Classification Sherloc (09022015). Collection method: clinical testing. Allele origin: germline.
Comment: This sequence change falls in intron 25 of the CC2D2A gene. It does not directly change the encoded amino acid sequence of the CC2D2A protein. It affects a nucleotide within the consensus splice site. This variant is not present in population databases (gnomAD no frequency). This variant has not been reported in the literature in individuals affected with CC2D2A-related conditions. ClinVar contains an entry for this variant (Variation ID: 2017300). Variants that disrupt the consensus splice site are a relatively common cause of aberrant splicing (PMID: 17576681, 9536098). Algorithms developed to predict the effect of sequence changes on RNA splicing suggest that this variant may disrupt the consensus splice site. In summary, the available evidence is currently insufficient to determine the role of this variant in disease. Therefore, it has been classified as a Variant of Uncertain Significance.

Literature cited by the submitters: PubMed 17576681; PubMed 9536098.

NM_001378615.1(CC2D2A):c.3182+5G>C

Genes: CC2D2A (coiled-coil and C2 domain containing 2A; plus strand), FBXL5 (F-box and leucine rich repeat protein 5; minus strand). Cytogenetic location: 4p15.32.
Variant type: single nucleotide variant.
Coding change: c.3182+5G>C on transcript NM_001378615.1 (MANE Select); 5 bases into the intron after coding-DNA position 3182, G replaced by C.
Molecular consequence: intron variant.
Genome position (GRCh38, 1-based): chr4:15,563,527, G>C. VCF-style: chr4-15563527-G-C. GRCh37 (hg19) VCF-style: chr4-15565150-G-C.
Other names: c.3035+5G>C (NM_001378617.1); c.3182+5G>C (NM_001080522.2).
Identifiers: ClinVar variation 2017300 (VCV002017300.4), dbSNP rs1329797830, ClinGen allele CA2580070870.
Genomic context (GRCh38, chr4:15,563,527, plus strand): 5'-CTGCTGGTGAACATTGTGCGAGCTTACGACATTCCAGTGAGGAAGCCGGCAGTGAGGTGA[G>C]AGCCCTCCCAACAGCCCGAGATGCAGTGTGCAGCATCCCAGCCAAGTCAATCGCTCCTTT-3'